The following is an entry in ClinVar:

NM_178013.4(PRIMA1):c.16T>G (p.Leu6Val)

Gene: PRIMA1 (proline rich membrane anchor 1; minus strand). Cytogenetic location: 14q32.12.
Variant type: single nucleotide variant.
Coding change: c.16T>G on transcript NM_178013.4 (MANE Select); coding-DNA position 16, T replaced by G.
Protein change: p.Leu6Val; replaces leucine 6 with valine.
Molecular consequence: missense variant.
Genome position (GRCh38, 1-based): chr14:93,787,703, A>C on the plus strand (T>G on the coding strand, the complement: PRIMA1 is on the minus strand). VCF-style: chr14-93787703-A-C. GRCh37 (hg19) VCF-style: chr14-94254049-A-C.
Other names: short protein forms L6V.
Identifiers: ClinVar variation 542928 (VCV000542928.9), dbSNP rs186707302, ClinGen allele CA7323122.

ClinVar aggregate classification (germline): Uncertain significance. Review status: criteria provided, multiple submitters, no conflicts (2 of 4 stars). 3 submissions from 3 submitters: Uncertain significance (3). Last evaluated 2024-09-17.

Conditions:
Familial sleep-related hypermotor epilepsy. Also called: Autosomal Dominant Sleep-Related Hypermotor (Hyperkinetic) Epilepsy. Identifiers: Orphanet 98784, MedGen C3696898, MONDO:0000030.

Allele frequency attached by ClinVar (database versions not stated): gnomAD exomes 0.00040 and 0.00015; ExAC 0.00015; 1000 Genomes Project 30x 0.00016; TOPMed 0.00025; gnomAD 0.00028 and 0.00029.
gnomAD v4.1: 586 of 1,544,330 alleles (0.038%); highest among the groups gnomAD compares: Non-Finnish European, 0.049%; 1 homozygote.

Submissions (3):

Athena Diagnostics
Classification: Uncertain significance. Last evaluated: 2024-09-17. Review status: criteria provided, single submitter. Criteria: Athena Diagnostics Criteria. Collection method: clinical testing. Allele origin: unknown.
Comment: Available data are insufficient to determine the clinical significance of the variant at this time. The frequency of this variant in the general population is uninformative in assessment of its pathogenicity. Polyphen and MutationTaster predict this amino acid change may be benign.

Labcorp Genetics (formerly Invitae), Labcorp
Classification: Uncertain significance for Familial sleep-related hypermotor epilepsy. Last evaluated: 2022-08-03. Review status: criteria provided, single submitter. Criteria: Invitae Variant Classification Sherloc (09022015). Collection method: clinical testing. Allele origin: germline.
Comment: This sequence change replaces leucine, which is neutral and non-polar, with valine, which is neutral and non-polar, at codon 6 of the PRIMA1 protein (p.Leu6Val). This variant is present in population databases (rs186707302, gnomAD 0.04%). This variant has not been reported in the literature in individuals affected with PRIMA1-related conditions. ClinVar contains an entry for this variant (Variation ID: 542928). Algorithms developed to predict the effect of missense changes on protein structure and function are either unavailable or do not agree on the potential impact of this missense change (SIFT: "Deleterious"; PolyPhen-2: "Possibly Damaging"; Align-GVGD: "Class C0"). In summary, the available evidence is currently insufficient to determine the role of this variant in disease. Therefore, it has been classified as a Variant of Uncertain Significance.

Center for Genomics, Ann and Robert H. Lurie Children's Hospital of Chicago
Classification: Uncertain significance. Last evaluated: 2022-05-12. Review status: criteria provided, single submitter. Criteria: ACMG Guidelines, 2015. Collection method: clinical testing. Allele origin: germline.
Comment: This variant has not been reported in the literature but is present in the Genome Aggregation Database (Highest reported MAF 0.05% (38/68038). This variant is present in ClinVar (Variation ID:542928). Evolutionary conservation and computational predictive tools suggest that this variant may not impact the protein. In summary, data on this variant is insufficient for disease classification. Therefore, the clinical significance of this variant is uncertain.